The following is an entry in ClinVar:

ClinVar aggregate classification (germline): Uncertain significance (1 of 4 stars; one submission).

Allele frequency attached by ClinVar (database versions not stated): gnomAD 0.00001; TOPMed 0.00001.
gnomAD v4.1: 5 of 1,581,940 alleles (0.00032%); highest among the groups gnomAD compares: East Asian, 0.0023%; no homozygotes.

Submission:

Labcorp Genetics (formerly Invitae), Labcorp
Classification: Uncertain significance. Last evaluated: 2021-04-16. Review status: criteria provided, single submitter. Criteria: Invitae Variant Classification Sherloc (09022015). Collection method: clinical testing. Allele origin: germline.
Comment: This sequence change replaces isoleucine with valine at codon 40 of the TIMP3 protein (p.Ile40Val). The isoleucine residue is moderately conserved and there is a small physicochemical difference between isoleucine and valine. This variant is not present in population databases (ExAC no frequency). This variant has not been reported in the literature in individuals with TIMP3-related conditions. Algorithms developed to predict the effect of missense changes on protein structure and function (SIFT, PolyPhen-2, Align-GVGD) all suggest that this variant is likely to be tolerated, but these predictions have not been confirmed by published functional studies and their clinical significance is uncertain. In summary, the available evidence is currently insufficient to determine the role of this variant in disease. Therefore, it has been classified as a Variant of Uncertain Significance.

NM_000362.5(TIMP3):c.118A>G (p.Ile40Val)

Genes: SYN3 (synapsin III; minus strand), TIMP3 (TIMP metallopeptidase inhibitor 3; plus strand). Cytogenetic location: 22q12.3.
Variant type: single nucleotide variant.
Coding change: c.118A>G on transcript NM_000362.5 (MANE Select); coding-DNA position 118, A replaced by G.
Protein change: p.Ile40Val; replaces isoleucine 40 with valine.
Molecular consequence: missense variant. On other transcripts: intron variant (7).
Genome position (GRCh38, 1-based): chr22:32,802,119, A>G. VCF-style: chr22-32802119-A-G. GRCh37 (hg19) VCF-style: chr22-33198105-A-G.
Other names: c.708+62796T>C (NM_001369909.1, NM_001135774.2, NM_001369910.1); c.711+62796T>C (NM_001369907.1, NM_003490.4, NM_001369908.1 and 1 more transcripts); short protein forms I40V.
Identifiers: ClinVar variation 1449799 (VCV001449799.8), dbSNP rs1398464952, ClinGen allele CA411539130.